The following is an entry in ClinVar:

NM_024529.5(CDC73):c.8A>G (p.Asp3Gly)

Gene: CDC73 (cell division cycle 73; plus strand). Cytogenetic location: 1q31.2.
Variant type: single nucleotide variant.
Coding change: c.8A>G on transcript NM_024529.5 (MANE Select); coding-DNA position 8, A replaced by G.
Protein change: p.Asp3Gly; replaces aspartic acid 3 with glycine.
Molecular consequence: missense variant.
Genome position (GRCh38, 1-based): chr1:193,122,208, A>G. VCF-style: chr1-193122208-A-G. GRCh37 (hg19) VCF-style: chr1-193091338-A-G.
Other names: short protein forms D3G.
Identifiers: ClinVar variation 855632 (VCV000855632.15), dbSNP rs1675462949, ClinGen allele CA343972739.

ClinVar aggregate classification (germline): Uncertain significance. Review status: criteria provided, multiple submitters, no conflicts (2 of 4 stars). 4 submissions from 4 submitters: Uncertain significance (4). Last evaluated 2025-10-01.

Conditions:
Hereditary cancer-predisposing syndrome. Also called: Hereditary neoplastic syndrome; Tumor predisposition; Neoplastic Syndromes, Hereditary; Hereditary Cancer Syndrome. Identifiers: Orphanet 140162, MedGen C0027672, MeSH D009386, MONDO:0015356.
Parathyroid carcinoma (PRTC). Also called: Parathyroid gland carcinoma; CDC73-Related Parathyroid Carcinoma. Identifiers: Orphanet 143, MedGen C0687150, MONDO:0012004, OMIM 608266, HP:0006780.
Hyperparathyroidism 1 (HRPT1). Also called: HYPERPARATHYROIDISM, FAMILIAL ISOLATED PRIMARY. Identifiers: Orphanet 99879, MedGen C1840402, MONDO:0007767, OMIM 145000.
Hyperparathyroidism 2 with jaw tumors. Also called: Hyperparathyroidism-Jaw Tumor Syndrome; Hyperparathyroidism 2; HYPERPARATHYROIDISM, FAMILIAL PRIMARY, WITH MULTIPLE OSSIFYING JAW FIBROMAS; HYPERPARATHYROIDISM-JAW TUMOR SYNDROME, HEREDITARY. Identifiers: Orphanet 99880, MedGen C1704981, MONDO:0007768, OMIM 145001.

Allele frequency attached by ClinVar (database versions not stated): TOPMed below 0.00001.

Submissions (4):

Labcorp Genetics (formerly Invitae), Labcorp
Classification: Uncertain significance for Parathyroid carcinoma. Last evaluated: 2025-10-01. Review status: criteria provided, single submitter. Criteria: Invitae Variant Classification Sherloc (09022015). Collection method: clinical testing. Allele origin: germline.
Comment: This sequence change replaces aspartic acid, which is acidic and polar, with glycine, which is neutral and non-polar, at codon 3 of the CDC73 protein (p.Asp3Gly). This variant is not present in population databases (gnomAD no frequency). This variant has not been reported in the literature in individuals affected with CDC73-related conditions. ClinVar contains an entry for this variant (Variation ID: 855632). Invitae Evidence Modeling of protein sequence and biophysical properties (such as structural, functional, and spatial information, amino acid conservation, physicochemical variation, residue mobility, and thermodynamic stability) indicates that this missense variant is expected to disrupt CDC73 protein function with a positive predictive value of 80%. In summary, the available evidence is currently insufficient to determine the role of this variant in disease. Therefore, it has been classified as a Variant of Uncertain Significance.

Ambry Genetics
Classification: Uncertain significance for Hereditary cancer-predisposing syndrome. Last evaluated: 2025-01-13. Review status: criteria provided, single submitter. Criteria: Ambry Variant Classification Scheme 2023. Collection method: clinical testing. Allele origin: germline.
Comment: The p.D3G variant (also known as c.8A>G), located in coding exon 1 of the CDC73 gene, results from an A to G substitution at nucleotide position 8. The aspartic acid at codon 3 is replaced by glycine, an amino acid with similar properties. This amino acid position is conserved. In addition, this alteration is predicted to be deleterious by in silico analysis. Since supporting evidence is limited at this time, the clinical significance of this alteration remains unclear.

GeneDx
Classification: Uncertain significance. Last evaluated: 2024-02-21. Review status: criteria provided, single submitter. Criteria: GeneDx Variant Classification Process June 2021. Collection method: clinical testing. Allele origin: germline. Affected: yes.
Comment: Not observed at significant frequency in large population cohorts (gnomAD); In silico analysis supports that this missense variant has a deleterious effect on protein structure/function; Has not been previously published as pathogenic or benign to our knowledge

Fulgent Genetics
Classification: Uncertain significance for Hyperparathyroidism 1; Hyperparathyroidism 2 with jaw tumors; Parathyroid carcinoma. Last evaluated: 2022-02-03. Review status: criteria provided, single submitter. Criteria: ACMG Guidelines, 2015. Collection method: clinical testing. Allele origin: unknown.